The following is an entry in ClinVar:

NM_000080.4(CHRNE):c.373G>A (p.Asp125Asn)

Genes: C17orf107 (chromosome 17 open reading frame 107; plus strand), CHRNE (cholinergic receptor nicotinic epsilon subunit; minus strand). Cytogenetic location: 17p13.2.
Variant type: single nucleotide variant.
Coding change: c.373G>A on transcript NM_000080.4 (MANE Select); coding-DNA position 373, G replaced by A.
Protein change: p.Asp125Asn; replaces aspartic acid 125 with asparagine.
Molecular consequence: missense variant. On other transcripts: 3 prime UTR variant (1).
Genome position (GRCh38, 1-based): chr17:4,902,059, C>T on the plus strand (G>A on the coding strand, the complement: CHRNE is on the minus strand). VCF-style: chr17-4902059-C-T. GRCh37 (hg19) VCF-style: chr17-4805354-C-T.
Other names: c.*1526C>T (NM_001145536.2); short protein forms D125N.
Identifiers: ClinVar variation 1043682 (VCV001043682.9), dbSNP rs1056080125, ClinGen allele CA287186264.

ClinVar aggregate classification (germline): Uncertain significance. Review status: criteria provided, single submitter (1 of 4 stars). 2 submissions from 2 submitters: Uncertain significance (1). 1 of the submissions does not count toward it. Last evaluated 2025-12-16.

Conditions:
Congenital myasthenic syndrome (CMS). Also called: Congenital Myasthenic Syndromes. Identifiers: Orphanet 590, MedGen C0751882, MeSH D020294, MONDO:0018940.
Congenital myasthenic syndrome 4A. Also called: CONGENITAL MYASTHENIC SYNDROME TYPE Ia1; Myasthenic syndrome, congenital, 4a, slow-channel; MYASTHENIC SYNDROME, CONGENITAL, 4A, SLOW-CHANNEL, AUTOSOMAL RECESSIVE. Identifiers: Orphanet 590, MedGen C4225413, MONDO:0011600, OMIM 605809.

Allele frequency attached by ClinVar (database versions not stated): gnomAD 0.00001; gnomAD exomes 0.00001; TOPMed 0.00002.
gnomAD v4.1: 19 of 1,613,968 alleles (0.0012%); highest among the groups gnomAD compares: Non-Finnish European, 0.0016%; no homozygotes.

Submissions (2):

Labcorp Genetics (formerly Invitae), Labcorp
Classification: Uncertain significance for Congenital myasthenic syndrome 4A. Last evaluated: 2025-12-16. Review status: criteria provided, single submitter. Criteria: Invitae Variant Classification Sherloc (09022015). Collection method: clinical testing. Allele origin: germline.
Comment: This sequence change replaces aspartic acid, which is acidic and polar, with asparagine, which is neutral and polar, at codon 125 of the CHRNE protein (p.Asp125Asn). This variant is not present in population databases (gnomAD no frequency). This variant has not been reported in the literature in individuals affected with CHRNE-related conditions. ClinVar contains an entry for this variant (Variation ID: 1043682). Invitae Evidence Modeling of protein sequence and biophysical properties (such as structural, functional, and spatial information, amino acid conservation, physicochemical variation, residue mobility, and thermodynamic stability) indicates that this missense variant is not expected to disrupt CHRNE protein function with a negative predictive value of 95%. In summary, the available evidence is currently insufficient to determine the role of this variant in disease. Therefore, it has been classified as a Variant of Uncertain Significance.

Natera, Inc.
Classification: Uncertain significance for Congenital myasthenic syndrome. Last evaluated: 2020-03-17. Review status: no assertion criteria provided. Collection method: clinical testing. Allele origin: germline. Not counted in ClinVar's aggregate classification.